The following is an entry in ClinVar:

NM_000027.4(AGA):c.598G>A (p.Asp200Asn)

Gene: AGA (aspartylglucosaminidase; minus strand). Cytogenetic location: 4q34.3.
Variant type: single nucleotide variant.
Coding change: c.598G>A on transcript NM_000027.4 (MANE Select); coding-DNA position 598, G replaced by A.
Protein change: p.Asp200Asn; replaces aspartic acid 200 with asparagine.
Molecular consequence: missense variant. On other transcripts: non-coding transcript variant (1).
Genome position (GRCh38, 1-based): chr4:177,437,429, C>T on the plus strand (G>A on the coding strand, the complement: AGA is on the minus strand). VCF-style: chr4-177437429-C-T. GRCh37 (hg19) VCF-style: chr4-178358583-C-T.
Other names: c.598G>A, p.Asp200Asn (NM_001171988.2); short protein forms D200N.
Identifiers: ClinVar variation 900308 (VCV000900308.6), dbSNP rs761243441, ClinGen allele CA3146885.
Genomic context (GRCh38, chr4:177,437,429, plus strand): 5'-ACTTTATCCATAAAAACTGCACAAAAGGCAAATTACCAATAGTGTCATGACCACGATCAT[C>T]TTCTGTTTCTTTATGGATAGGAATATCCTGCTTTAAGATACCAGGTGGTTTGTAGGGTCC-3'
Protein context (NP_000018.2, residues 190-210): QDIPIHKETE[Asp200Asn]DRGHDTIGMV

ClinVar aggregate classification (germline): Uncertain significance. Review status: criteria provided, multiple submitters, no conflicts (2 of 4 stars). 2 submissions from 2 submitters: Uncertain significance (2). Last evaluated 2024-07-15.

Conditions:
Aspartylglucosaminuria (AGU). Also called: Aspartylglucos-aminuria; Aspartylglucos-amidase (AGA) deficiency; AGA DEFICIENCY; GLYCOASPARAGINASE; GLYCOSYLASPARAGINASE DEFICIENCY. Identifiers: Orphanet 93, MedGen C0268225, MONDO:0008830, OMIM 208400, HP:0012068.

Allele frequency attached by ClinVar (database versions not stated): gnomAD 0.00002; gnomAD exomes 0.00002 and 0.00006; TOPMed 0.00002; ExAC 0.00004.
gnomAD v4.1: 30 of 1,612,718 alleles (0.0019%); highest among the groups gnomAD compares: East Asian, 0.067%; no homozygotes.

Submissions (2):

Labcorp Genetics (formerly Invitae), Labcorp
Classification: Uncertain significance for Aspartylglucosaminuria. Last evaluated: 2024-07-15. Review status: criteria provided, single submitter. Criteria: Invitae Variant Classification Sherloc (09022015). Collection method: clinical testing. Allele origin: germline.
Comment: This sequence change replaces aspartic acid, which is acidic and polar, with asparagine, which is neutral and polar, at codon 200 of the AGA protein (p.Asp200Asn). This variant is present in population databases (rs761243441, gnomAD 0.1%). This variant has not been reported in the literature in individuals affected with AGA-related conditions. ClinVar contains an entry for this variant (Variation ID: 900308). Advanced modeling of protein sequence and biophysical properties (such as structural, functional, and spatial information, amino acid conservation, physicochemical variation, residue mobility, and thermodynamic stability) performed at Invitae indicates that this missense variant is not expected to disrupt AGA protein function with a negative predictive value of 80%. In summary, the available evidence is currently insufficient to determine the role of this variant in disease. Therefore, it has been classified as a Variant of Uncertain Significance.

Illumina Laboratory Services, Illumina
Classification: Uncertain significance for Aspartylglucosaminuria. Last evaluated: 2018-03-23. Review status: criteria provided, single submitter. Criteria: ICSL Variant Classification Criteria 13 December 2019. Collection method: clinical testing. Allele origin: germline.